The following is an entry in ClinVar:

NM_000489.6(ATRX):c.2758G>A (p.Gly920Ser)

Gene: ATRX (ATRX chromatin remodeler; minus strand). Cytogenetic location: Xq21.1.
Variant type: single nucleotide variant.
Coding change: c.2758G>A on transcript NM_000489.6 (MANE Select); coding-DNA position 2758, G replaced by A.
Protein change: p.Gly920Ser; replaces glycine 920 with serine.
Molecular consequence: missense variant.
Genome position (GRCh38, 1-based): chrX:77,682,498, C>T on the plus strand (G>A on the coding strand, the complement: ATRX is on the minus strand). VCF-style: chrX-77682498-C-T. GRCh37 (hg19) VCF-style: chrX-76937990-C-T.
Other names: c.2644G>A, p.Gly882Ser (NM_138270.5); short protein forms G920S, G882S.
Identifiers: ClinVar variation 2799239 (VCV002799239.3), dbSNP rs2148589522, ClinGen allele CA413710628.
Genomic context (GRCh38, chrX:77,682,498, plus strand): 5'-CAACTTTTCTAACTTCCAAAGAAGTAAAACTCTCCTCTTTCCCAGAAAGCTTATCGACAC[C>T]ATCAGTGGAAGCACTTGCTTGCTGCTTCTTAGGAAGTCGATCTCTTAATTCCATGATGGT-3'
Protein context (NP_000480.3, residues 910-930): KKQQASASTD[Gly920Ser]VDKLSGKEES

ClinVar aggregate classification (germline): Uncertain significance (1 of 4 stars; one submission).

Conditions:
Alpha thalassemia-X-linked intellectual disability syndrome (ATRX). Also called: ALPHA-THALASSEMIA/MENTAL RETARDATION SYNDROME, X-LINKED; ATR, NONDELETION TYPE; ATR-X syndrome; Alpha thalassemia mental retardation syndrome, nondeletion type, X-linked; XLMR hypotonic face syndrome; X-linked alpha-thalassemia-mental retardation syndrome. Identifiers: Orphanet 847, MedGen C1845055, MONDO:0010519, OMIM 301040.

Submission:

Labcorp Genetics (formerly Invitae), Labcorp
Classification: Uncertain significance for Alpha thalassemia-X-linked intellectual disability syndrome. Last evaluated: 2024-01-10. Review status: criteria provided, single submitter. Criteria: Invitae Variant Classification Sherloc (09022015). Collection method: clinical testing. Allele origin: germline.
Comment: This sequence change replaces glycine, which is neutral and non-polar, with serine, which is neutral and polar, at codon 920 of the ATRX protein (p.Gly920Ser). This variant is not present in population databases (gnomAD no frequency). This variant has not been reported in the literature in individuals affected with ATRX-related conditions. Advanced modeling of protein sequence and biophysical properties (such as structural, functional, and spatial information, amino acid conservation, physicochemical variation, residue mobility, and thermodynamic stability) performed at Invitae indicates that this missense variant is not expected to disrupt ATRX protein function with a negative predictive value of 95%. In summary, the available evidence is currently insufficient to determine the role of this variant in disease. Therefore, it has been classified as a Variant of Uncertain Significance.